The following is an entry in ClinVar:

ClinVar aggregate classification (germline): Uncertain significance (1 of 4 stars; one submission).

Allele frequency attached by ClinVar (database versions not stated): TOPMed below 0.00001; gnomAD 0.00002; ExAC 0.00004; 1000 Genomes Project 0.00040.
gnomAD v4.1: 18 of 1,605,746 alleles (0.0011%); highest among the groups gnomAD compares: South Asian, 0.0066%; no homozygotes.

Submission:

Labcorp Genetics (formerly Invitae), Labcorp
Classification: Uncertain significance. Last evaluated: 2022-07-25. Review status: criteria provided, single submitter. Criteria: Invitae Variant Classification Sherloc (09022015). Collection method: clinical testing. Allele origin: germline.
Comment: This sequence change falls in intron 16 of the SKIV2L gene. It does not directly change the encoded amino acid sequence of the SKIV2L protein. It affects a nucleotide within the consensus splice site. This variant is present in population databases (rs563475100, gnomAD 0.01%). This variant has not been reported in the literature in individuals affected with SKIV2L-related conditions. Variants that disrupt the consensus splice site are a relatively common cause of aberrant splicing (PMID: 17576681, 9536098). Algorithms developed to predict the effect of sequence changes on RNA splicing suggest that this variant may create or strengthen a splice site. In summary, the available evidence is currently insufficient to determine the role of this variant in disease. Therefore, it has been classified as a Variant of Uncertain Significance.

Literature cited by the submitters: PubMed 17576681; PubMed 9536098.

NM_006929.5(SKIC2):c.1860+5G>A

Gene: SKIC2 (SKI2 subunit of superkiller complex; plus strand). Cytogenetic location: 6p21.33.
Variant type: single nucleotide variant.
Coding change: c.1860+5G>A on transcript NM_006929.5 (MANE Select); 5 bases into the intron after coding-DNA position 1860, G replaced by A.
Molecular consequence: intron variant.
Genome position (GRCh38, 1-based): chr6:31,964,130, G>A. VCF-style: chr6-31964130-G-A. GRCh37 (hg19) VCF-style: chr6-31931907-G-A.
Identifiers: ClinVar variation 2075009 (VCV002075009.1), dbSNP rs563475100, ClinGen allele CA3729597.